The following is an entry in ClinVar:

NM_000059.4(BRCA2):c.7007+2456C>T

Gene: BRCA2 (BRCA2 DNA repair associated; plus strand). Cytogenetic location: 13q13.1.
Variant type: single nucleotide variant.
Coding change: c.7007+2456C>T on transcript NM_000059.4 (MANE Select); 2456 bases into the intron after coding-DNA position 7007, C replaced by T.
Molecular consequence: intron variant.
Genome position (GRCh38, 1-based): chr13:32,349,352, C>T. VCF-style: chr13-32349352-C-T. GRCh37 (hg19) VCF-style: chr13-32923489-C-T.
Identifiers: ClinVar variation 264982 (VCV000264982.1), dbSNP rs11571692, ClinGen allele CA10588113.

ClinVar aggregate classification (germline): Benign (3 of 4 stars; one submission).

Conditions:
Breast-ovarian cancer, familial, susceptibility to, 2 (BROVCA2). Also called: BRCA2 Hereditary Breast and Ovarian Cancer. Identifiers: Orphanet 145, MedGen C2675520, MONDO:0012933, OMIM 612555. Disease mechanism: loss of function.

Allele frequency attached by ClinVar (database versions not stated): 1000 Genomes Project 0.00559; 1000 Genomes Project 30x 0.00562; gnomAD 0.00736 and 0.00768; TOPMed 0.00858.
gnomAD v4.1: 1,094 of 143,572 alleles (0.76%); highest among the groups gnomAD compares: Middle Eastern, 2.2%; 11 homozygotes.

Submission:

Evidence-based Network for the Interpretation of Germline Mutant Alleles (ENIGMA)
Classification: Benign for Breast-ovarian cancer, familial, susceptibility to, 2. Last evaluated: 2016-09-28. Review status: reviewed by expert panel. Criteria: ENIGMA BRCA1/2 Classification Criteria (2015). Collection method: curation. Allele origin: germline.
Comment: Class 1 not pathogenic based on frequency >1% in an outbred sampleset. Frequency 0.0129 (European), 0.0159 (Admixed American/Latino), derived from 1000 genomes (2013-05-02).